The following is an entry in ClinVar:

ClinVar aggregate classification (germline): Uncertain significance (1 of 4 stars; one submission).

Submission:

GeneDx
Classification: Uncertain significance. Last evaluated: 2025-02-06. Review status: criteria provided, single submitter. Criteria: GeneDx Variant Classification Process June 2021. Collection method: clinical testing. Allele origin: germline. Affected: yes.
Comment: Not observed at significant frequency in large population cohorts (gnomAD); In silico analysis indicates that this missense variant does not alter protein structure/function; Has not been previously published as pathogenic or benign to our knowledge

NM_031407.7(HUWE1):c.6274T>C (p.Tyr2092His)

Gene: HUWE1 (HECT, UBA and WWE domain containing E3 ubiquitin protein ligase 1; minus strand). Cytogenetic location: Xp11.22.
Variant type: single nucleotide variant.
Coding change: c.6274T>C on transcript NM_031407.7 (MANE Select); coding-DNA position 6274, T replaced by C.
Protein change: p.Tyr2092His; replaces tyrosine 2092 with histidine.
Molecular consequence: missense variant.
Genome position (GRCh38, 1-based): chrX:53,573,788, A>G on the plus strand (T>C on the coding strand, the complement: HUWE1 is on the minus strand). VCF-style: chrX-53573788-A-G. GRCh37 (hg19) VCF-style: chrX-53600748-A-G.
Other names: c.6271T>C, p.Tyr2091His (NM_001441048.1, NM_001441051.1, NM_001441053.1 and 2 more transcripts); c.6274T>C, p.Tyr2092His (NM_001441049.1, NM_001441052.1, NM_001441054.1 and 1 more transcripts); c.6295T>C, p.Tyr2099His (NM_001441050.1, NM_001441055.1); short protein forms Y2091H, Y2092H, Y2099H.
Identifiers: ClinVar variation 4074643 (VCV004074643.1).